The following is an entry in ClinVar:

ClinVar aggregate classification (germline): Pathogenic/Likely pathogenic. Review status: criteria provided, multiple submitters, no conflicts (2 of 4 stars). 2 submissions from 2 submitters: Pathogenic (1); Likely pathogenic (1). Last evaluated 2022-12-19.

Conditions:
USH2A-related disorder. Also called: USH2A-related disorders; USH2A-related condition. Identifiers: MedGen CN239332.

Submissions (2):

Blueprint Genetics
Classification: Likely pathogenic for USH2A-related disorders. Last evaluated: 2022-12-19. Review status: criteria provided, single submitter. Criteria: ACMG Guidelines, 2015. Collection method: clinical testing. Allele origin: germline. Affected: yes. Observed: 2 variant alleles.

Labcorp Genetics (formerly Invitae), Labcorp
Classification: Pathogenic. Last evaluated: 2022-09-13. Review status: criteria provided, single submitter. Criteria: Invitae Variant Classification Sherloc (09022015). Collection method: clinical testing. Allele origin: germline.
Comment: For these reasons, this variant has been classified as Pathogenic. ClinVar contains an entry for this variant (Variation ID: 1457509). This variant has not been reported in the literature in individuals affected with USH2A-related conditions. This variant is not present in population databases (gnomAD no frequency). This sequence change creates a premature translational stop signal (p.Gln677*) in the USH2A gene. It is expected to result in an absent or disrupted protein product. Loss-of-function variants in USH2A are known to be pathogenic (PMID: 10729113, 10909849, 20507924, 25649381).

Literature cited by the submitters: PubMed 10729113 (cited by Labcorp Genetics (formerly Invitae), Labcorp); PubMed 10909849 (cited by Labcorp Genetics (formerly Invitae), Labcorp); PubMed 20507924 (cited by Labcorp Genetics (formerly Invitae), Labcorp); PubMed 25649381 (cited by Labcorp Genetics (formerly Invitae), Labcorp).

NM_206933.4(USH2A):c.2029C>T (p.Gln677Ter)

Gene: USH2A (usherin; minus strand). Cytogenetic location: 1q41.
Variant type: single nucleotide variant.
Coding change: c.2029C>T on transcript NM_206933.4 (MANE Select); coding-DNA position 2029, C replaced by T.
Protein change: p.Gln677Ter; replaces glutamine 677 with a stop codon.
Molecular consequence: nonsense.
Genome position (GRCh38, 1-based): chr1:216,251,041, G>A on the plus strand (C>T on the coding strand, the complement: USH2A is on the minus strand). VCF-style: chr1-216251041-G-A. GRCh37 (hg19) VCF-style: chr1-216424383-G-A.
Other names: c.2029C>T, p.Gln677Ter (NM_007123.6); short protein forms Q677*.
Identifiers: ClinVar variation 1457509 (VCV001457509.7), dbSNP rs2102551941, ClinGen allele CA344866612.